The following is an entry in ClinVar:

NM_017672.6(TRPM7):c.4151T>G (p.Leu1384Ter)

Gene: TRPM7 (transient receptor potential cation channel subfamily M member 7; minus strand). Cytogenetic location: 15q21.2.
Variant type: single nucleotide variant.
Coding change: c.4151T>G on transcript NM_017672.6 (MANE Select); coding-DNA position 4151, T replaced by G.
Protein change: p.Leu1384Ter; replaces leucine 1384 with a stop codon.
Molecular consequence: nonsense. On other transcripts: non-coding transcript variant (3).
Genome position (GRCh38, 1-based): chr15:50,592,084, A>C on the plus strand (T>G on the coding strand, the complement: TRPM7 is on the minus strand). VCF-style: chr15-50592084-A-C. GRCh37 (hg19) VCF-style: chr15-50884281-A-C.
Other names: c.4151T>G, p.Leu1384Ter (NM_001301212.2); short protein forms L1384*.
Identifiers: ClinVar variation 4849136 (VCV004849136.1).

ClinVar aggregate classification (germline): Uncertain significance (1 of 4 stars; one submission).

gnomAD v4.1: 1 of 1,611,054 alleles (0.000062%); highest among the groups gnomAD compares: Non-Finnish European, 0.000085%; no homozygotes.

Submission:

Women's Health and Genetics/Laboratory Corporation of America, LabCorp
Classification: Uncertain significance. Last evaluated: 2026-04-22. Review status: criteria provided, single submitter. Criteria: LabCorp Variant Classification Summary - May 2015. Collection method: clinical testing. Allele origin: germline.
Comment: Variant summary: TRPM7 c.4151T>G (p.Leu1384X) results in a premature termination codon, predicted to cause a truncation of the encoded protein or absence of the protein due to nonsense mediated decay, however current evidence is not sufficient to establish loss of function as a mechanism for disease. The variant allele was found at a frequency of 4e-06 in 247306 control chromosomes. The available data on variant occurrences in the general population are insufficient to allow any conclusion about variant significance. To our knowledge, no occurrence of c.4151T>G in individuals affected with TRPM7-related conditions and no experimental evidence demonstrating its impact on protein function have been reported. No submitters have cited clinical-significance assessments for this variant to ClinVar. Based on the evidence outlined above, the variant was classified as uncertain significance.